The following is an entry in ClinVar:

ClinVar aggregate classification (germline): Uncertain significance (1 of 4 stars; one submission).

Conditions:
Spastic paraplegia. Identifiers: MedGen C0037772, HP:0001258.

gnomAD v4.1: 1 of 1,614,060 alleles (0.000062%); highest among the groups gnomAD compares: Non-Finnish European, 0.000085%; no homozygotes.

Submission:

Labcorp Genetics (formerly Invitae), Labcorp
Classification: Uncertain significance for Spastic paraplegia. Last evaluated: 2023-11-27. Review status: criteria provided, single submitter. Criteria: Invitae Variant Classification Sherloc (09022015). Collection method: clinical testing. Allele origin: germline.
Comment: This sequence change replaces serine, which is neutral and polar, with glycine, which is neutral and non-polar, at codon 900 of the AP4E1 protein (p.Ser900Gly). This variant is not present in population databases (gnomAD no frequency). This variant has not been reported in the literature in individuals affected with AP4E1-related conditions. An algorithm developed to predict the effect of missense changes on protein structure and function (PolyPhen-2) suggests that this variant is likely to be tolerated. In summary, the available evidence is currently insufficient to determine the role of this variant in disease. Therefore, it has been classified as a Variant of Uncertain Significance.

NM_007347.5(AP4E1):c.2698A>G (p.Ser900Gly)

Gene: AP4E1 (adaptor related protein complex 4 subunit epsilon 1; plus strand). Cytogenetic location: 15q21.2.
Variant type: single nucleotide variant.
Coding change: c.2698A>G on transcript NM_007347.5 (MANE Select); coding-DNA position 2698, A replaced by G.
Protein change: p.Ser900Gly; replaces serine 900 with glycine.
Molecular consequence: missense variant.
Genome position (GRCh38, 1-based): chr15:50,997,677, A>G. VCF-style: chr15-50997677-A-G. GRCh37 (hg19) VCF-style: chr15-51289874-A-G.
Other names: c.2473A>G, p.Ser825Gly (NM_001252127.2); short protein forms S900G, S825G.
Identifiers: ClinVar variation 2917392 (VCV002917392.3), dbSNP rs2504926206, ClinGen allele CA392420540.